The following is an entry in ClinVar:

ClinVar aggregate classification (germline): Likely benign (1 of 4 stars; one submission).

Submission:

Mayo Clinic Laboratories, Mayo Clinic
Classification: Likely benign. Last evaluated: 2025-06-03. Review status: criteria provided, single submitter. Criteria: ACMG Guidelines, 2015. Collection method: clinical testing. Allele origin: germline. Observed: 1 variant allele.
Comment: BP4, BP7

Literature cited by the submitters: PubMed 35667091.

NM_139027.6(ADAMTS13):c.771C>T (p.Arg257=)

Gene: ADAMTS13 (ADAM metallopeptidase with thrombospondin type 1 motif 13; plus strand). Cytogenetic location: 9q34.2.
Variant type: single nucleotide variant.
Coding change: c.771C>T on transcript NM_139027.6 (MANE Select); coding-DNA position 771, C replaced by T.
Protein change: p.Arg257=; no amino-acid change (arginine 257 retained).
Molecular consequence: synonymous variant.
Genome position (GRCh38, 1-based): chr9:133,428,718, C>T. VCF-style: chr9-133428718-C-T. GRCh37 (hg19) VCF-style: chr9-136293838-C-T.
Other names: p.Arg257=; c.771C>T, p.Arg257= (NM_139025.5, NM_139026.6).
Identifiers: ClinVar variation 4683454 (VCV004683454.1).
Genomic context (GRCh38, chr9:133,428,718, plus strand): 5'-GCCCGGCAGCGGCTGCGGCCCCAGCGGACACGTGATGGCTTCGGACGGCGCCGCGCCCCG[C>T]GCCGGCCTCGCCTGGTCCCCCTGCAGCCGCCGGCAGCTGCTGAGCCTGCTCAGGTAGCGG-3'
Protein context (NP_620596.2, residues 247-267): HVMASDGAAP[Arg257=]AGLAWSPCSR